The following is an entry in ClinVar:

ClinVar aggregate classification (germline): Uncertain significance (1 of 4 stars; one submission).

Conditions:
Nephronophthisis 18 (NPHP18). Identifiers: Orphanet 655, MedGen C3890591, MONDO:0014374, OMIM 615862.

Allele frequency attached by ClinVar (database versions not stated): gnomAD 0.00001; gnomAD exomes 0.00001.
gnomAD v4.1: 4 of 1,612,662 alleles (0.00025%); highest among the groups gnomAD compares: Admixed American, 0.005%; no homozygotes.

Submission:

Labcorp Genetics (formerly Invitae), Labcorp
Classification: Uncertain significance for Nephronophthisis 18. Last evaluated: 2022-09-27. Review status: criteria provided, single submitter. Criteria: Invitae Variant Classification Sherloc (09022015). Collection method: clinical testing. Allele origin: germline.
Comment: In summary, the available evidence is currently insufficient to determine the role of this variant in disease. Therefore, it has been classified as a Variant of Uncertain Significance. Algorithms developed to predict the effect of sequence changes on RNA splicing suggest that this variant may create or strengthen a splice site. Advanced modeling of protein sequence and biophysical properties (such as structural, functional, and spatial information, amino acid conservation, physicochemical variation, residue mobility, and thermodynamic stability) performed at Invitae indicates that this missense variant is not expected to disrupt CEP83 protein function. ClinVar contains an entry for this variant (Variation ID: 844287). This variant has not been reported in the literature in individuals affected with CEP83-related conditions. This variant is not present in population databases (gnomAD no frequency). This sequence change replaces aspartic acid, which is acidic and polar, with asparagine, which is neutral and polar, at codon 21 of the CEP83 protein (p.Asp21Asn).

NM_016122.3(CEP83):c.61G>A (p.Asp21Asn)

Gene: CEP83 (centrosomal protein 83; minus strand). Cytogenetic location: 12q22.
Variant type: single nucleotide variant.
Coding change: c.61G>A on transcript NM_016122.3 (MANE Select); coding-DNA position 61, G replaced by A.
Protein change: p.Asp21Asn; replaces aspartic acid 21 with asparagine.
Molecular consequence: missense variant. On other transcripts: non-coding transcript variant (1), intron variant (6).
Genome position (GRCh38, 1-based): chr12:94,412,430, C>T on the plus strand (G>A on the coding strand, the complement: CEP83 is on the minus strand). VCF-style: chr12-94412430-C-T. GRCh37 (hg19) VCF-style: chr12-94806206-C-T.
Other names: c.61G>A, p.Asp21Asn (NM_001042399.2, NM_001346457.2, NM_001346460.2 and 4 more transcripts); c.-140+87G>A (NM_001346459.2, NM_001346458.2, NM_001368040.1 and 3 more transcripts); short protein forms D21N.
Identifiers: ClinVar variation 844287 (VCV000844287.6), dbSNP rs1003708280, ClinGen allele CA242066996.